The following is an entry in ClinVar:

NM_000288.4(PEX7):c.893G>A (p.Ser298Asn)

Gene: PEX7 (peroxisomal biogenesis factor 7; plus strand). Cytogenetic location: 6q23.3.
Variant type: single nucleotide variant.
Coding change: c.893G>A on transcript NM_000288.4 (MANE Select); coding-DNA position 893, G replaced by A.
Protein change: p.Ser298Asn; replaces serine 298 with asparagine.
Molecular consequence: missense variant.
Genome position (GRCh38, 1-based): chr6:136,898,231, G>A. VCF-style: chr6-136898231-G-A. GRCh37 (hg19) VCF-style: chr6-137219369-G-A.
Other names: c.779G>A, p.Ser260Asn (NM_001410945.1); short protein forms S260N, S298N.
Identifiers: ClinVar variation 4987309 (VCV004987309.1).

ClinVar aggregate classification (germline): Uncertain significance (1 of 4 stars; one submission).

Conditions:
PEX7-related disorder. Also called: PEX7-related condition; PEX7-related disorders. Identifiers: MedGen CN239409.

gnomAD v4.1: 6 of 1,584,572 alleles (0.00038%); highest among the groups gnomAD compares: African/African-American, 0.0081%; no homozygotes.

Submission:

PreventionGenetics, part of Exact Sciences
Classification: Uncertain significance for PEX7-related condition. Last evaluated: 2025-12-16. Review status: criteria provided, single submitter. Criteria: ACMG Guidelines, 2015. Collection method: clinical testing. Allele origin: germline.
Comment: The PEX7 c.893G>A variant is predicted to result in the amino acid substitution p.Ser298Asn. To our knowledge, this variant has not been reported in the literature. This variant is reported in 0.0062% of alleles in individuals of African descent in gnomAD. At this time, the clinical significance of this variant is uncertain due to the absence of conclusive functional and genetic evidence.